The following is an entry in ClinVar:

ClinVar aggregate classification (germline): Uncertain significance (1 of 4 stars; one submission).

Submission:

Labcorp Genetics (formerly Invitae), Labcorp
Classification: Uncertain significance. Last evaluated: 2024-10-20. Review status: criteria provided, single submitter. Criteria: Invitae Variant Classification Sherloc (09022015). Collection method: clinical testing. Allele origin: germline.
Comment: This sequence change replaces glycine, which is neutral and non-polar, with alanine, which is neutral and non-polar, at codon 1810 of the APC2 protein (p.Gly1810Ala). This variant is present in population databases (rs752666820, gnomAD 0.01%). This variant has not been reported in the literature in individuals affected with APC2-related conditions. Invitae Evidence Modeling of protein sequence and biophysical properties (such as structural, functional, and spatial information, amino acid conservation, physicochemical variation, residue mobility, and thermodynamic stability) indicates that this missense variant is expected to disrupt APC2 protein function with a positive predictive value of 80%. In summary, the available evidence is currently insufficient to determine the role of this variant in disease. Therefore, it has been classified as a Variant of Uncertain Significance.

NM_005883.3(APC2):c.5429G>C (p.Gly1810Ala)

Gene: APC2 (APC regulator of Wnt signaling pathway 2; plus strand). Cytogenetic location: 19p13.3.
Variant type: single nucleotide variant.
Coding change: c.5429G>C on transcript NM_005883.3 (MANE Select); coding-DNA position 5429, G replaced by C.
Protein change: p.Gly1810Ala; replaces glycine 1810 with alanine.
Molecular consequence: missense variant.
Genome position (GRCh38, 1-based): chr19:1,468,730, G>C. VCF-style: chr19-1468730-G-C. GRCh37 (hg19) VCF-style: chr19-1468729-G-C.
Other names: c.5426G>C, p.Gly1809Ala (NM_001351273.1); short protein forms G1810A, G1809A.
Identifiers: ClinVar variation 3689209 (VCV003689209.2).